The following is an entry in ClinVar:

ClinVar aggregate classification (germline): Likely pathogenic (1 of 4 stars; one submission).

Allele frequency attached by ClinVar (database versions not stated): gnomAD exomes below 0.00001.
gnomAD v4.1: 1 of 1,614,178 alleles (0.000062%); no homozygotes.

Submission:

Labcorp Genetics (formerly Invitae), Labcorp
Classification: Likely pathogenic. Last evaluated: 2020-08-14. Review status: criteria provided, single submitter. Criteria: Invitae Variant Classification Sherloc (09022015). Collection method: clinical testing. Allele origin: germline.
Comment: In summary, the currently available evidence indicates that the variant is pathogenic, but additional data are needed to prove that conclusively. Therefore, this variant has been classified as Likely Pathogenic. Donor and acceptor splice site variants typically lead to a loss of protein function (PMID: 16199547), and loss-of-function variants in COL27A1 are known to be pathogenic (PMID: 24986830, 28276056). Algorithms developed to predict the effect of sequence changes on RNA splicing suggest that this variant may disrupt the consensus splice site, but this prediction has not been confirmed by published transcriptional studies. This variant has not been reported in the literature in individuals with COL27A1-related conditions. This variant is not present in population databases (ExAC no frequency). This sequence change affects a donor splice site in intron 12 of the COL27A1 gene. It is expected to disrupt RNA splicing and likely results in an absent or disrupted protein product.

Literature cited by the submitters: PubMed 16199547; PubMed 24986830; PubMed 28276056.

NM_032888.4(COL27A1):c.2367+2T>C

Gene: COL27A1 (collagen type XXVII alpha 1 chain; plus strand). Cytogenetic location: 9q32.
Variant type: single nucleotide variant.
Coding change: c.2367+2T>C on transcript NM_032888.4 (MANE Select); the canonical splice donor site of the intron after coding-DNA position 2367, T replaced by C.
Molecular consequence: splice donor variant.
Genome position (GRCh38, 1-based): chr9:114,211,028, T>C. VCF-style: chr9-114211028-T-C. GRCh37 (hg19) VCF-style: chr9-116973308-T-C.
Identifiers: ClinVar variation 1066281 (VCV001066281.7), dbSNP rs2135336813, ClinGen allele CA374601407.